The following is an entry in ClinVar:

NM_182961.4(SYNE1):c.2568+178C>G

Gene: SYNE1 (spectrin repeat containing nuclear envelope protein 1; minus strand). Cytogenetic location: 6q25.2.
Variant type: single nucleotide variant.
Coding change: c.2568+178C>G on transcript NM_182961.4 (MANE Select); 178 bases into the intron after coding-DNA position 2568, C replaced by G.
Molecular consequence: intron variant.
Genome position (GRCh38, 1-based): chr6:152,458,579, G>C on the plus strand (C>G on the coding strand, the complement: SYNE1 is on the minus strand). VCF-style: chr6-152458579-G-C. GRCh37 (hg19) VCF-style: chr6-152779714-G-C.
Other names: c.2589+178C>G (NM_033071.5).
Identifiers: ClinVar variation 670608 (VCV000670608.1), dbSNP rs214962, ClinGen allele CA15453217.

ClinVar aggregate classification (germline): Benign (1 of 4 stars; one submission).

Allele frequency attached by ClinVar (database versions not stated): gnomAD 0.52348 and 0.52540; TOPMed 0.53594; 1000 Genomes Project 0.60683; 1000 Genomes Project 30x 0.60712.
gnomAD v4.1: 79,649 of 152,018 alleles (52%); highest among the groups gnomAD compares: East Asian, 76%; 22,759 homozygotes.

Submission:

GeneDx
Classification: Benign. Last evaluated: 2018-06-14. Review status: criteria provided, single submitter. Criteria: GeneDx Variant Classification (06012015). Collection method: clinical testing. Allele origin: germline. Affected: yes.
Comment: This variant is considered likely benign or benign based on one or more of the following criteria: it is a conservative change, it occurs at a poorly conserved position in the protein, it is predicted to be benign by multiple in silico algorithms, and/or has population frequency not consistent with disease.